The following is an entry in ClinVar:

ClinVar aggregate classification (germline): Benign/Likely benign. Review status: criteria provided, multiple submitters, no conflicts (2 of 4 stars). 2 submissions from 2 submitters: Benign (1); Likely benign (1). Last evaluated 2025-12-29.

Allele frequency attached by ClinVar (database versions not stated): ExAC 0.00008; 1000 Genomes Project 30x 0.00021; 1000 Genomes Project 0.00026.
gnomAD v4.1: 59 of 1,204,566 alleles (0.0049%); highest among the groups gnomAD compares: Non-Finnish European, 0.0037%; no homozygotes.

Submissions (2):

Labcorp Genetics (formerly Invitae), Labcorp
Classification: Benign. Last evaluated: 2025-12-29. Review status: criteria provided, single submitter. Criteria: Invitae Variant Classification Sherloc (09022015). Collection method: clinical testing. Allele origin: germline.

CeGaT Center for Human Genetics Tuebingen
Classification: Likely benign. Last evaluated: 2024-02-01. Review status: criteria provided, single submitter. Criteria: CeGaT Center For Human Genetics Tuebingen Variant Classification Criteria Version 2. Collection method: clinical testing. Allele origin: germline. Affected: yes. Observed: 1 variant allele.
Comment: PORCN: BS2

NM_203475.3(PORCN):c.1294A>C (p.Met432Leu)

Gene: PORCN (porcupine O-acyltransferase; plus strand). Cytogenetic location: Xp11.23.
Variant type: single nucleotide variant.
Coding change: c.1294A>C on transcript NM_203475.3 (MANE Select); coding-DNA position 1294, A replaced by C.
Protein change: p.Met432Leu; replaces methionine 432 with leucine.
Molecular consequence: missense variant.
Genome position (GRCh38, 1-based): chrX:48,520,384, A>C. VCF-style: chrX-48520384-A-C. GRCh37 (hg19) VCF-style: chrX-48378772-A-C.
Other names: c.1048A>C, p.Met350Leu (NM_001282167.2); c.1261A>C, p.Met421Leu (NM_022825.4); c.1279A>C, p.Met427Leu (NM_203473.3); c.1276A>C, p.Met426Leu (NM_203474.1); short protein forms M421L, M426L, M432L, M427L, M350L.
Identifiers: ClinVar variation 1900968 (VCV001900968.27), dbSNP rs192546852, ClinGen allele CA10402939.